The following is an entry in ClinVar:

ClinVar aggregate classification (germline): Uncertain significance (1 of 4 stars; one submission).

Conditions:
Pigmentary pallidal degeneration (NBIA1). Also called: Neuroaxonal dystrophy, late infantile; Hallervorden-Spatz disease; Pantothenate Kinase-Associated Neurodegeneration; Neurodegeneration with brain iron accumulation 1; PKAN NEUROAXONAL DYSTROPHY, JUVENILE-ONSET; HARP SYNDROME. Identifiers: Orphanet 157850, MedGen C0018523, MONDO:0009319, OMIM 234200.

Submission:

Neuberg Centre For Genomic Medicine, NCGM
Classification: Uncertain significance for Pigmentary pallidal degeneration. Review status: criteria provided, single submitter. Criteria: ACMG Guidelines, 2015. Collection method: clinical testing. Allele origin: germline. Inheritance: Autosomal recessive inheritance. Affected: yes.
Comment: The Inframe deletion variant c.1248_1256del (p.Asn417_Ile419del) in PANK2 gene has not been reported previously as a pathogenic variant nor as a benign variant, to our knowledge. This variant has not been reported to the ClinVar database. The p.Asn417_Ile419del variant is novel (not in any individuals) in gnomAD Exomes and 1000 Genomes. The observed variant is not in repeat region. This p.Asn417_Ile419del causes deletion of amino acid Asparagine at position 417 to Isoleucine at position 419. For these reasons, this variant has been classified as Uncertain Significance (VUS).

NM_001386393.1(PANK2):c.1248_1256del (p.Asn417_Ile419del)

Gene: PANK2 (pantothenate kinase 2; plus strand). Cytogenetic location: 20p13.
Variant type: Deletion.
Coding change: c.1248_1256del on transcript NM_001386393.1 (MANE Select); coding-DNA positions 1248 to 1256, 9 bases deleted (TAATACGAT; older notation c.1248_1256delTAATACGAT).
Protein change: p.Asn417_Ile419del.
Molecular consequence: inframe deletion. On other transcripts: non-coding transcript variant (1).
Genome position (GRCh38, 1-based): chr20:3,918,712-3,918,720, TAATACGAT deleted; deleting any 9 consecutive bases within chr20:3,918,710-3,918,720 gives the same sequence; the c. name uses the placement nearest the transcript's 3' end. VCF-style (leftmost placement, unchanged base first): chr20-3918709-AATTAATACG-A. GRCh37 (hg19) VCF-style: chr20-3899356-AATTAATACG-A.
Other names: c.705_713del, p.Asn236_Ile238del (NM_001324191.2, NM_024960.6, NM_153640.4); c.270_278del, p.Asn91_Ile93del (NM_001324193.2); c.1578_1586del, p.Asn527_Ile529del (NM_153638.4).
Identifiers: ClinVar variation 2585613 (VCV002585613.1), dbSNP rs2515528533, ClinGen allele CA2582342967.